The following is an entry in ClinVar:

NM_006904.7(PRKDC):c.5432G>A (p.Arg1811His)

Gene: PRKDC (protein kinase, DNA-activated, catalytic subunit; minus strand). Cytogenetic location: 8q11.21.
Variant type: single nucleotide variant.
Coding change: c.5432G>A on transcript NM_006904.7 (MANE Select); coding-DNA position 5432, G replaced by A.
Protein change: p.Arg1811His; replaces arginine 1811 with histidine.
Molecular consequence: missense variant.
Genome position (GRCh38, 1-based): chr8:47,864,695, C>T on the plus strand (G>A on the coding strand, the complement: PRKDC is on the minus strand). VCF-style: chr8-47864695-C-T. GRCh37 (hg19) VCF-style: chr8-48777256-C-T.
Other names: c.5432G>A, p.Arg1811His (NM_001081640.2); short protein forms R1811H.
Identifiers: ClinVar variation 3639888 (VCV003639888.2).
Genomic context (GRCh38, chr8:47,864,695, plus strand): 5'-CAGTGCCACAGCAGAGTGAGGAGGGAGCGGTCCACAAAGGACTGGCGTGTGAAACTTAGG[C>T]GGGGGTCATCCTTCCTGAACATTTCATACACGCTTTCCAGAAGGCCTACTTGTGTGACAC-3'
Protein context (NP_008835.5, residues 1801-1821): VYEMFRKDDP[Arg1811His]LSFTRQSFVD

ClinVar aggregate classification (germline): Uncertain significance (1 of 4 stars; one submission).

Conditions:
Severe combined immunodeficiency due to DNA-PKcs deficiency. Also called: IMMUNODEFICIENCY 26 WITH NEUROLOGIC ABNORMALITIES; Immunodeficiency 26 with or without neurologic abnormalities. Identifiers: Orphanet 317425, MedGen C4014833, MONDO:0014423, OMIM 615966.

gnomAD v4.1: 22 of 1,606,988 alleles (0.0014%); highest among the groups gnomAD compares: East Asian, 0.0022%; no homozygotes.

Submission:

Labcorp Genetics (formerly Invitae), Labcorp
Classification: Uncertain significance for Severe combined immunodeficiency due to DNA-PKcs deficiency. Last evaluated: 2025-12-01. Review status: criteria provided, single submitter. Criteria: Invitae Variant Classification Sherloc (09022015). Collection method: clinical testing. Allele origin: germline.
Comment: This sequence change replaces arginine, which is basic and polar, with histidine, which is basic and polar, at codon 1811 of the PRKDC protein (p.Arg1811His). The frequency data for this variant in the population databases is considered unreliable, as metrics indicate poor data quality at this position in the gnomAD database. This variant has not been reported in the literature in individuals affected with PRKDC-related conditions. ClinVar contains an entry for this variant (Variation ID: 3639888). Invitae Evidence Modeling of protein sequence and biophysical properties (such as structural, functional, and spatial information, amino acid conservation, physicochemical variation, residue mobility, and thermodynamic stability) indicates that this missense variant is not expected to disrupt PRKDC protein function with a negative predictive value of 80%. In summary, the available evidence is currently insufficient to determine the role of this variant in disease. Therefore, it has been classified as a Variant of Uncertain Significance.